The following is an entry in ClinVar:

ClinVar aggregate classification (germline): Uncertain significance. Review status: criteria provided, multiple submitters, no conflicts (2 of 4 stars). 2 submissions from 2 submitters: Uncertain significance (2). Last evaluated 2026-07-07.

Conditions:
Juvenile polyposis syndrome (JPS). Identifiers: Orphanet 2929, MedGen C0345893, MONDO:0017380, OMIM 174900.
Hereditary cancer-predisposing syndrome. Also called: Hereditary neoplastic syndrome; Neoplastic Syndromes, Hereditary; Tumor predisposition; Hereditary Cancer Syndrome. Identifiers: Orphanet 140162, MedGen C0027672, MeSH D009386, MONDO:0015356.

Submissions (2):

Ambry Genetics
Classification: Uncertain significance for Hereditary cancer-predisposing syndrome. Last evaluated: 2026-07-07. Review status: criteria provided, single submitter. Criteria: Ambry Variant Classification Scheme 2023. Collection method: clinical testing. Allele origin: germline.
Comment: The p.N418S variant (also known as c.1253A>G), located in coding exon 9 of the BMPR1A gene, results from an A to G substitution at nucleotide position 1253. The asparagine at codon 418 is replaced by serine, an amino acid with highly similar properties. This amino acid position is conserved. In addition, this alteration is predicted to be tolerated by in silico analysis. Based on the available evidence, the clinical significance of this variant remains unclear.

Labcorp Genetics (formerly Invitae), Labcorp
Classification: Uncertain significance for Juvenile polyposis syndrome. Last evaluated: 2022-07-03. Review status: criteria provided, single submitter. Criteria: Invitae Variant Classification Sherloc (09022015). Collection method: clinical testing. Allele origin: germline.
Comment: In summary, the available evidence is currently insufficient to determine the role of this variant in disease. Therefore, it has been classified as a Variant of Uncertain Significance. Advanced modeling of protein sequence and biophysical properties (such as structural, functional, and spatial information, amino acid conservation, physicochemical variation, residue mobility, and thermodynamic stability) performed at Invitae indicates that this missense variant is not expected to disrupt BMPR1A protein function. This variant has not been reported in the literature in individuals affected with BMPR1A-related conditions. This variant is not present in population databases (gnomAD no frequency). This sequence change replaces asparagine, which is neutral and polar, with serine, which is neutral and polar, at codon 418 of the BMPR1A protein (p.Asn418Ser).

NM_004329.3(BMPR1A):c.1253A>G (p.Asn418Ser)

Gene: BMPR1A (bone morphogenetic protein receptor type 1A; plus strand). Cytogenetic location: 10q23.2.
Variant type: single nucleotide variant.
Coding change: c.1253A>G on transcript NM_004329.3 (MANE Select); coding-DNA position 1253, A replaced by G.
Protein change: p.Asn418Ser; replaces asparagine 418 with serine.
Molecular consequence: missense variant.
Genome position (GRCh38, 1-based): chr10:86,921,606, A>G. VCF-style: chr10-86921606-A-G. GRCh37 (hg19) VCF-style: chr10-88681363-A-G.
Other names: c.1328A>G, p.Asn443Ser (NM_001406559.1); c.1301A>G, p.Asn434Ser (NM_001406560.1); c.1253A>G, p.Asn418Ser (NM_001406561.1, NM_001406562.1, NM_001406563.1 and 19 more transcripts); c.1247A>G, p.Asn416Ser (NM_001406583.1); c.1169A>G, p.Asn390Ser (NM_001406584.1, NM_001406585.1, NM_001406586.1 and 2 more transcripts); c.911A>G, p.Asn304Ser (NM_001406589.1); short protein forms N390S, N304S, N416S, N418S, N434S, N443S.
Identifiers: ClinVar variation 2013713 (VCV002013713.5), dbSNP rs2133607275, ClinGen allele CA377462115.